The following is an entry in ClinVar:

ClinVar aggregate classification (germline): Pathogenic. Review status: criteria provided, multiple submitters, no conflicts (2 of 4 stars). 2 submissions from 2 submitters: Pathogenic (2). Last evaluated 2023-11-24.

Conditions:
Mitochondrial short-chain Enoyl-Coa hydratase 1 deficiency. Also called: PxMD-ECHS1; Mitochondrial Short-Chain Enoyl-CoA Hydratase Deficiency; ECHS1 deficiency. Identifiers: Orphanet 255241, Orphanet 653880, MedGen C4225391, MONDO:0014563, OMIM 616277.

Allele frequency attached by ClinVar (database versions not stated): TOPMed below 0.00001.

Submissions (2):

Labcorp Genetics (formerly Invitae), Labcorp
Classification: Pathogenic. Last evaluated: 2023-11-24. Review status: criteria provided, single submitter. Criteria: Invitae Variant Classification Sherloc (09022015). Collection method: clinical testing. Allele origin: germline.
Comment: This sequence change creates a premature translational stop signal (p.Gln201*) in the ECHS1 gene. It is expected to result in an absent or disrupted protein product. Loss-of-function variants in ECHS1 are known to be pathogenic (PMID: 25393721, 26000322, 27090768). This variant is not present in population databases (gnomAD no frequency). This variant has not been reported in the literature in individuals affected with ECHS1-related conditions. ClinVar contains an entry for this variant (Variation ID: 1806267). For these reasons, this variant has been classified as Pathogenic.

Victorian Clinical Genetics Services, Murdoch Childrens Research Institute
Classification: Pathogenic for Mitochondrial short-chain Enoyl-Coa hydratase 1 deficiency. Last evaluated: 2020-06-11. Review status: criteria provided, single submitter. Criteria: ACMG Guidelines, 2015. Collection method: clinical testing. Allele origin: germline. Inheritance: Autosomal recessive inheritance. Affected: yes.
Comment: Based on the classification scheme VCGS_Germline_v1.1.1, this variant is classified as PATHOGENIC. Following criteria are met: 0102 - Loss-of-function is a known mechanism of disease for this gene. (N) 0106 - This gene is known to be associated with autosomal recessive disease. (N) 0201 - Variant is predicted to cause nonsense-mediated decay (NMD) and loss of protein (exon 5 of 8). (P) 0251 - Variant is heterozygous. (N) 0301 - Variant is absent from gnomAD. (P) 0402 - Variant is located in a gene associated with a severe early onset recessive condition that is intolerant to bi-allelic loss-of-function variants. (P) 0703 - Comparable variants have moderate previous evidence for pathogenicity. Other variants predicted to cause NMD have been reported as pathogenic (ClinVar, PMID: 27905109) (P) 0807 - Variant has not previously been reported in a clinical context. (N) 0905 - No segregation evidence has been identified for this variant. (N) 1007 - No published functional evidence has been identified for this variant. (N) 1201 - Heterozygous variant detected in trans with a second likely pathogenic heterozygous variant in a recessive disease. (N) Legend: (P) - Pathogenic, (N) - Neutral, (B) - Benign

Literature cited by the submitters: PubMed 25393721 (cited by Labcorp Genetics (formerly Invitae), Labcorp); PubMed 26000322 (cited by Labcorp Genetics (formerly Invitae), Labcorp); PubMed 27090768 (cited by Labcorp Genetics (formerly Invitae), Labcorp); PubMed 27905109 (cited by Victorian Clinical Genetics Services, Murdoch Childrens Research Institute).

NM_004092.4(ECHS1):c.601C>T (p.Gln201Ter)

Gene: ECHS1 (enoyl-CoA hydratase, short chain 1; minus strand). Cytogenetic location: 10q26.3.
Variant type: single nucleotide variant.
Coding change: c.601C>T on transcript NM_004092.4 (MANE Select); coding-DNA position 601, C replaced by T.
Protein change: p.Gln201Ter; replaces glutamine 201 with a stop codon.
Molecular consequence: nonsense.
Genome position (GRCh38, 1-based): chr10:133,366,907, G>A on the plus strand (C>T on the coding strand, the complement: ECHS1 is on the minus strand). VCF-style: chr10-133366907-G-A. GRCh37 (hg19) VCF-style: chr10-135180411-G-A.
Other names: short protein forms Q201*.
Identifiers: ClinVar variation 1806267 (VCV001806267.4), dbSNP rs1849042311, ClinGen allele CA378819529.